The following is an entry in ClinVar:

NM_015557.3(CHD5):c.2252C>T (p.Pro751Leu)

Gene: CHD5 (chromodomain helicase DNA binding protein 5; minus strand). Cytogenetic location: 1p36.31.
Variant type: single nucleotide variant.
Coding change: c.2252C>T on transcript NM_015557.3 (MANE Select); coding-DNA position 2252, C replaced by T.
Protein change: p.Pro751Leu; replaces proline 751 with leucine.
Molecular consequence: missense variant.
Genome position (GRCh38, 1-based): chr1:6,142,312, G>A on the plus strand (C>T on the coding strand, the complement: CHD5 is on the minus strand). VCF-style: chr1-6142312-G-A. GRCh37 (hg19) VCF-style: chr1-6202372-G-A.
Other names: short protein forms P751L.
Identifiers: ClinVar variation 4982086 (VCV004982086.1).

ClinVar aggregate classification (germline): Uncertain significance (1 of 4 stars; one submission).

Conditions:
CHD5-related disorder. Also called: CHD5-related condition.

Submission:

PreventionGenetics, part of Exact Sciences
Classification: Uncertain significance for CHD5-related condition. Last evaluated: 2025-02-26. Review status: criteria provided, single submitter. Criteria: ACMG Guidelines, 2015. Collection method: clinical testing. Allele origin: germline.
Comment: The CHD5 c.2252C>T variant is predicted to result in the amino acid substitution p.Pro751Leu. To our knowledge, this variant has not been reported in the literature or in a large population database (gnomAD), indicating this variant is rare. At this time, the clinical significance of this variant is uncertain due to the absence of conclusive functional and genetic evidence.